The following is an entry in ClinVar:

NM_000069.3(CACNA1S):c.4039G>C (p.Gly1347Arg)

Gene: CACNA1S (calcium voltage-gated channel subunit alpha1 S; minus strand). Cytogenetic location: 1q32.1.
Variant type: single nucleotide variant.
Coding change: c.4039G>C on transcript NM_000069.3 (MANE Select); coding-DNA position 4039, G replaced by C.
Protein change: p.Gly1347Arg; replaces glycine 1347 with arginine.
Molecular consequence: missense variant.
Genome position (GRCh38, 1-based): chr1:201,051,058, C>G on the plus strand (G>C on the coding strand, the complement: CACNA1S is on the minus strand). VCF-style: chr1-201051058-C-G. GRCh37 (hg19) VCF-style: chr1-201020186-C-G.
Other names: short protein forms G1347R.
Identifiers: ClinVar variation 1445772 (VCV001445772.10), dbSNP rs2102558476, ClinGen allele CA344150253.

ClinVar aggregate classification (germline): Uncertain significance (1 of 4 stars; one submission).

Conditions:
Hypokalemic periodic paralysis, type 1. Also called: Hypokalemic Periodic Paralysis Type 1 (AD); HypoPP. Identifiers: Orphanet 681, MedGen C3714580, MONDO:0042979, OMIM 170400.
Malignant hyperthermia, susceptibility to, 5 (MHS5). Also called: CACNA1S-Related Malignant Hyperthermia Susceptibility. Identifiers: Orphanet 423, MedGen C1866077, MONDO:0011163, OMIM 601887.

Submission:

Labcorp Genetics (formerly Invitae), Labcorp
Classification: Uncertain significance for Hypokalemic periodic paralysis, type 1; Malignant hyperthermia, susceptibility to, 5. Last evaluated: 2022-09-06. Review status: criteria provided, single submitter. Criteria: Invitae Variant Classification Sherloc (09022015). Collection method: clinical testing. Allele origin: germline.
Comment: This sequence change replaces glycine, which is neutral and non-polar, with arginine, which is basic and polar, at codon 1347 of the CACNA1S protein (p.Gly1347Arg). In summary, the available evidence is currently insufficient to determine the role of this variant in disease. Therefore, it has been classified as a Variant of Uncertain Significance. Advanced modeling of protein sequence and biophysical properties (such as structural, functional, and spatial information, amino acid conservation, physicochemical variation, residue mobility, and thermodynamic stability) performed at Invitae indicates that this missense variant is not expected to disrupt CACNA1S protein function. ClinVar contains an entry for this variant (Variation ID: 1445772). This variant has not been reported in the literature in individuals affected with CACNA1S-related conditions. This variant is not present in population databases (gnomAD no frequency).